The following is an entry in ClinVar:

NM_000038.6(APC):c.1113A>C (p.Gly371=)

Gene: APC (APC regulator of Wnt signaling pathway; plus strand). Cytogenetic location: 5q22.2.
Variant type: single nucleotide variant.
Coding change: c.1113A>C on transcript NM_000038.6 (MANE Select); coding-DNA position 1113, A replaced by C.
Protein change: p.Gly371=; no amino-acid change (glycine 371 retained).
Molecular consequence: synonymous variant. On other transcripts: non-coding transcript variant (2), intron variant (15).
Genome position (GRCh38, 1-based): chr5:112,819,145, A>C. VCF-style: chr5-112819145-A-C. GRCh37 (hg19) VCF-style: chr5-112154842-A-C.
Other names: c.1113A>C, p.Gly371= (NM_001127510.3, NM_001354895.2, NM_001354896.2 and 4 more transcripts); c.1059A>C, p.Gly353= (NM_001127511.3); c.1143A>C, p.Gly381= (NM_001354897.2, NM_001407446.1); c.1038A>C, p.Gly346= (NM_001354898.2, NM_001407451.1); c.1029A>C, p.Gly343= (NM_001354899.2, NM_001407452.1); c.936A>C, p.Gly312= (NM_001354900.2, NM_001354901.2, NM_001407453.1); c.264A>C, p.Gly88= (NM_001354906.2, NM_001407470.1); c.85-124A>C (NM_001407472.1, NM_001407471.1); and 5 more.
Identifiers: ClinVar variation 3148495 (VCV003148495.1), dbSNP rs2149781330, ClinGen allele CA445960281.

ClinVar aggregate classification (germline): Benign (1 of 4 stars; one submission).

Conditions:
Familial adenomatous polyposis 1 (FAP1). Also called: POLYPOSIS, ADENOMATOUS INTESTINAL; FAMILIAL ADENOMATOUS POLYPOSIS 1, ATTENUATED. Identifiers: MedGen C2713442, MONDO:0021056, OMIM 175100. Disease mechanism: loss of function.

Submission:

Myriad Genetics, Inc.
Classification: Benign for Familial adenomatous polyposis 1. Last evaluated: 2024-02-29. Review status: criteria provided, single submitter. Criteria: Myriad Autosomal Dominant, Autosomal Recessive and X-Linked Classification Criteria (2023). Collection method: clinical testing. Allele origin: unknown.
Comment: This variant is considered benign. This variant is a silent/synonymous amino acid change and it is not expected to impact splicing.